The following is an entry in ClinVar:

ClinVar aggregate classification (germline): Uncertain significance (1 of 4 stars; one submission).

Allele frequency attached by ClinVar (database versions not stated): gnomAD exomes 0.00001 and 0.00003; gnomAD 0.00004; TOPMed 0.00005.

Submission:

Labcorp Genetics (formerly Invitae), Labcorp
Classification: Uncertain significance. Last evaluated: 2025-01-30. Review status: criteria provided, single submitter. Criteria: Invitae Variant Classification Sherloc (09022015). Collection method: clinical testing. Allele origin: germline.
Comment: This sequence change falls in intron 11 of the DVL1 gene. It does not directly change the encoded amino acid sequence of the DVL1 protein. It affects a nucleotide within the consensus splice site. This variant is present in population databases (no rsID available, gnomAD 0.01%). This variant has not been reported in the literature in individuals affected with DVL1-related conditions. ClinVar contains an entry for this variant (Variation ID: 1023574). Variants that disrupt the consensus splice site are a relatively common cause of aberrant splicing (PMID: 17576681, 9536098). Algorithms developed to predict the effect of sequence changes on RNA splicing suggest that this variant is not likely to affect RNA splicing. In summary, the available evidence is currently insufficient to determine the role of this variant in disease. Therefore, it has been classified as a Variant of Uncertain Significance.

Literature cited by the submitters: PubMed 17576681; PubMed 9536098.

NM_001330311.2(DVL1):c.1137G>A (p.Thr379=)

Gene: DVL1 (dishevelled segment polarity protein 1; minus strand). Cytogenetic location: 1p36.33.
Variant type: single nucleotide variant.
Coding change: c.1137G>A on transcript NM_001330311.2 (MANE Select); coding-DNA position 1137, G replaced by A.
Protein change: p.Thr379=; no amino-acid change (threonine 379 retained).
Molecular consequence: synonymous variant. On other transcripts: intron variant (1).
Genome position (GRCh38, 1-based): chr1:1,339,357, C>T on the plus strand (G>A on the coding strand, the complement: DVL1 is on the minus strand). VCF-style: chr1-1339357-C-T. GRCh37 (hg19) VCF-style: chr1-1274737-C-T.
Other names: c.1132+5G>A (NM_004421.3).
Identifiers: ClinVar variation 1023574 (VCV001023574.6), dbSNP rs1340352657, ClinGen allele CA520607037.